The following is an entry in ClinVar:

NM_022124.6(CDH23):c.996G>A (p.Thr332=)

Gene: CDH23 (cadherin related 23; plus strand). Cytogenetic location: 10q22.1.
Variant type: single nucleotide variant.
Coding change: c.996G>A on transcript NM_022124.6 (MANE Select); coding-DNA position 996, G replaced by A.
Protein change: p.Thr332=; no amino-acid change (threonine 332 retained).
Molecular consequence: synonymous variant.
Genome position (GRCh38, 1-based): chr10:71,617,255, G>A. VCF-style: chr10-71617255-G-A. GRCh37 (hg19) VCF-style: chr10-73377012-G-A.
Other names: c.996G>A (NM_022124.5); c.996G>A, p.Thr332= (NM_001171930.2, NM_001171931.2, NM_001171932.2 and 1 more transcripts).
Identifiers: ClinVar variation 179216 (VCV000179216.25), dbSNP rs727504715, ClinGen allele CA183966.

ClinVar aggregate classification (germline): Conflicting classifications of pathogenicity. Review status: criteria provided, conflicting classifications (1 of 4 stars). 6 submissions from 6 submitters: Uncertain significance (1); Likely benign (5). Last evaluated 2026-01-01.

Conditions:
CDH23-related disorder. Also called: CDH23-related condition; CDH23-related disorders.

Allele frequency attached by ClinVar (database versions not stated): gnomAD exomes 0.00002 and 0.00007; TOPMed 0.00003; ExAC 0.00006.

Submissions (6):

CeGaT Center for Human Genetics Tuebingen
Classification: Likely benign. Last evaluated: 2026-01-01. Review status: criteria provided, single submitter. Criteria: CeGaT Center For Human Genetics Tuebingen Variant Classification Criteria Version 2. Collection method: clinical testing. Allele origin: germline. Affected: yes. Observed: 1 variant allele.
Comment: CDH23: BP4, BP7

Labcorp Genetics (formerly Invitae), Labcorp
Classification: Likely benign. Last evaluated: 2025-12-08. Review status: criteria provided, single submitter. Criteria: Invitae Variant Classification Sherloc (09022015). Collection method: clinical testing. Allele origin: germline.

PreventionGenetics, part of Exact Sciences
Classification: Likely benign for CDH23-related condition. Last evaluated: 2025-06-03. Review status: criteria provided, single submitter. Criteria: ACMG Guidelines, 2015. Collection method: clinical testing. Allele origin: germline.
Comment: This variant is classified as likely benign based on ACMG/AMP sequence variant interpretation guidelines (Richards et al. 2015 PMID: 25741868, with internal and published modifications).

GeneDx
Classification: Likely benign. Last evaluated: 2020-01-31. Review status: criteria provided, single submitter. Criteria: GeneDx Variant Classification Process June 2021. Collection method: clinical testing. Allele origin: germline. Affected: yes.

Eurofins Ntd Llc (ga)
Classification: Uncertain significance. Last evaluated: 2017-08-24. Review status: criteria provided, single submitter. Criteria: EGL Classification Definitions 2015. Collection method: clinical testing. Allele origin: germline. Observed: 1 variant allele, 1 heterozygote.

Laboratory for Molecular Medicine, Mass General Brigham Personalized Medicine
Classification: Likely benign. Last evaluated: 2013-09-03. Review status: criteria provided, single submitter. Criteria: LMM Criteria. Collection method: clinical testing. Allele origin: germline. Observed: 1 variant allele.
Comment: Thr332Thr in Exon 11A of CDH23: This variant is not expected to have clinical si gnificance because it does not alter an amino acid residue and is not located wi thin the splice consensus sequence.